The following is an entry in ClinVar:

NM_016653.3(MAP3K20):c.2334C>A (p.His778Gln)

Genes: MAP3K20 (mitogen-activated protein kinase kinase kinase 20; plus strand), MAP3K20-AS1 (MAP3K20 antisense RNA 1; minus strand). Cytogenetic location: 2q31.1.
Variant type: single nucleotide variant.
Coding change: c.2334C>A on transcript NM_016653.3 (MANE Select); coding-DNA position 2334, C replaced by A.
Protein change: p.His778Gln; replaces histidine 778 with glutamine.
Molecular consequence: missense variant.
Genome position (GRCh38, 1-based): chr2:173,266,681, C>A. VCF-style: chr2-173266681-C-A. GRCh37 (hg19) VCF-style: chr2-174131409-C-A.
Other names: short protein forms H778Q.
Identifiers: ClinVar variation 1413313 (VCV001413313.6), dbSNP rs2106361696, ClinGen allele CA349318310.
Genomic context (GRCh38, chr2:173,266,681, plus strand): 5'-AGAGGACAGCAAAGTCAGCGAAGGGGGCTGGACAAAAGTGGAATACCGGAAAAAGCCCCA[C>A]AGGCCATCTCCCGCCAAAACCAATAAAGAGAGAGCCAGAGGGGACCACCGTGGATGGAGA-3'
Protein context (NP_057737.2, residues 768-788): WTKVEYRKKP[His778Gln]RPSPAKTNKE

ClinVar aggregate classification (germline): Uncertain significance (1 of 4 stars; one submission).

Submission:

Labcorp Genetics (formerly Invitae), Labcorp
Classification: Uncertain significance. Last evaluated: 2022-02-05. Review status: criteria provided, single submitter. Criteria: Invitae Variant Classification Sherloc (09022015). Collection method: clinical testing. Allele origin: germline.
Comment: This sequence change replaces histidine, which is basic and polar, with glutamine, which is neutral and polar, at codon 778 of the MAP3K20 protein (p.His778Gln). This variant is not present in population databases (gnomAD no frequency). In summary, the available evidence is currently insufficient to determine the role of this variant in disease. Therefore, it has been classified as a Variant of Uncertain Significance. Experimental studies and prediction algorithms are not available or were not evaluated, and the functional significance of this variant is currently unknown. This variant has not been reported in the literature in individuals affected with MAP3K20-related conditions.